The following is an entry in ClinVar:

ClinVar aggregate classification (germline): Benign/Likely benign. Review status: criteria provided, multiple submitters, no conflicts (2 of 4 stars). 2 submissions from 2 submitters: Benign (1); Likely benign (1). Last evaluated 2026-01-01.

Conditions:
Spastic paraplegia. Identifiers: MedGen C0037772, HP:0001258.

gnomAD v4.1: 16 of 1,211,428 alleles (0.0013%); highest among the groups gnomAD compares: South Asian, 0.028%; no homozygotes.

Submissions (2):

CeGaT Center for Human Genetics Tuebingen
Classification: Likely benign. Last evaluated: 2026-01-01. Review status: criteria provided, single submitter. Criteria: CeGaT Center For Human Genetics Tuebingen Variant Classification Criteria Version 2. Collection method: clinical testing. Allele origin: germline. Affected: yes. Observed: 1 variant allele.
Comment: SLC16A2: BP4, BP7, BS2

Labcorp Genetics (formerly Invitae), Labcorp
Classification: Benign for Spastic paraplegia. Last evaluated: 2025-06-22. Review status: criteria provided, single submitter. Criteria: Invitae Variant Classification Sherloc (09022015). Collection method: clinical testing. Allele origin: germline.

NM_006517.5(SLC16A2):c.825G>A (p.Leu275=)

Gene: SLC16A2 (solute carrier family 16 member 2; plus strand). Cytogenetic location: Xq13.2.
Variant type: single nucleotide variant.
Coding change: c.825G>A on transcript NM_006517.5 (MANE Select); coding-DNA position 825, G replaced by A.
Protein change: p.Leu275=; no amino-acid change (leucine 275 retained).
Molecular consequence: synonymous variant.
Genome position (GRCh38, 1-based): chrX:74,524,608, G>A. VCF-style: chrX-74524608-G-A. GRCh37 (hg19) VCF-style: chrX-73744443-G-A.
Identifiers: ClinVar variation 4775666 (VCV004775666.5).